The following is an entry in ClinVar:

NM_002907.4(RECQL):c.469del (p.Ser157fs)

Gene: RECQL (RecQ like helicase; minus strand). Cytogenetic location: 12p12.1.
Variant type: Deletion.
Coding change: c.469del on transcript NM_002907.4 (MANE Select); coding-DNA position 469, one base deleted (T; older notation c.469delT).
Protein change: p.Ser157fs; shifts the reading frame from serine 157.
Molecular consequence: frameshift variant.
Genome position (GRCh38, 1-based): chr12:21,486,511, A deleted on the plus strand (T on the coding strand, the reverse complement: RECQL is on the minus strand); the first of 3 consecutive A bases (chr12:21,486,511-21,486,513); deleting any one gives the same sequence. VCF-style (leftmost placement, unchanged base first): chr12-21486510-GA-G. GRCh37 (hg19) VCF-style: chr12-21639444-GA-G.
Other names: c.469del, p.Ser157fs (NM_032941.3); short protein forms S157fs.
Identifiers: ClinVar variation 2752646 (VCV002752646.3), dbSNP rs2540386814, ClinGen allele CA2697559138.

ClinVar aggregate classification (germline): Uncertain significance (1 of 4 stars; one submission).

Submission:

Labcorp Genetics (formerly Invitae), Labcorp
Classification: Uncertain significance. Last evaluated: 2023-08-16. Review status: criteria provided, single submitter. Criteria: Invitae Variant Classification Sherloc (09022015). Collection method: clinical testing. Allele origin: germline.
Comment: This variant is not present in population databases (gnomAD no frequency). In summary, the available evidence is currently insufficient to determine the role of this variant in disease. Therefore, it has been classified as a Variant of Uncertain Significance. This variant has not been reported in the literature in individuals affected with RECQL-related conditions. This sequence change creates a premature translational stop signal (p.Ser157Glnfs*5) in the RECQL gene. It is expected to result in an absent or disrupted protein product. However, the current clinical and genetic evidence is not sufficient to establish whether loss-of-function variants in RECQL cause disease.